The following is an entry in ClinVar:

NM_001130438.3(SPTAN1):c.6082G>A (p.Ala2028Thr)

Gene: SPTAN1 (spectrin alpha, non-erythrocytic 1; plus strand). Cytogenetic location: 9q34.11.
Variant type: single nucleotide variant.
Coding change: c.6082G>A on transcript NM_001130438.3 (MANE Select); coding-DNA position 6082, G replaced by A.
Protein change: p.Ala2028Thr; replaces alanine 2028 with threonine.
Molecular consequence: missense variant.
Genome position (GRCh38, 1-based): chr9:128,625,781, G>A. VCF-style: chr9-128625781-G-A. GRCh37 (hg19) VCF-style: chr9-131388060-G-A.
Other names: c.6007G>A, p.Ala2003Thr (NM_001195532.2); c.6082G>A, p.Ala2028Thr (NM_001363759.2, NM_001375310.1, NM_001375311.2 and 1 more transcripts); c.6022G>A, p.Ala2008Thr (NM_001363765.2, NM_001375314.2); c.6118G>A, p.Ala2040Thr (NM_001375312.2, NM_001375318.1); c.6067G>A, p.Ala2023Thr (NM_003127.4); short protein forms A2003T, A2008T, A2023T, A2028T, A2040T.
Identifiers: ClinVar variation 2502461 (VCV002502461.2), dbSNP rs1366732496, ClinGen allele CA375085817.

ClinVar aggregate classification (germline): Uncertain significance. Review status: criteria provided, multiple submitters, no conflicts (2 of 4 stars). 2 submissions from 2 submitters: Uncertain significance (2). Last evaluated 2025-06-10.

Conditions:
Early-infantile DEE. Also called: Early infantile epileptic encephalopathy with suppression bursts; Early infantile epileptic encephalopathy; Ohtahara syndrome. Identifiers: Orphanet 1934, MedGen C0393706, MONDO:0800491.

Allele frequency attached by ClinVar (database versions not stated): gnomAD exomes below 0.00001; gnomAD 0.00001.

Submissions (2):

Labcorp Genetics (formerly Invitae), Labcorp
Classification: Uncertain significance for Early-infantile DEE. Last evaluated: 2025-06-10. Review status: criteria provided, single submitter. Criteria: Invitae Variant Classification Sherloc (09022015). Collection method: clinical testing. Allele origin: germline.
Comment: This sequence change replaces alanine, which is neutral and non-polar, with threonine, which is neutral and polar, at codon 2028 of the SPTAN1 protein (p.Ala2028Thr). This variant is present in population databases (no rsID available, gnomAD 0.004%). This variant has not been reported in the literature in individuals affected with SPTAN1-related conditions. ClinVar contains an entry for this variant (Variation ID: 2502461). Invitae Evidence Modeling of protein sequence and biophysical properties (such as structural, functional, and spatial information, amino acid conservation, physicochemical variation, residue mobility, and thermodynamic stability) has been performed for this missense variant. However, the output from this modeling did not meet the statistical confidence thresholds required to predict the impact of this variant on SPTAN1 protein function. In summary, the available evidence is currently insufficient to determine the role of this variant in disease. Therefore, it has been classified as a Variant of Uncertain Significance.

GeneDx
Classification: Uncertain significance. Last evaluated: 2022-11-21. Review status: criteria provided, single submitter. Criteria: GeneDx Variant Classification Process June 2021. Collection method: clinical testing. Allele origin: germline. Affected: yes.
Comment: In silico analysis supports that this missense variant has a deleterious effect on protein structure/function; Missense variant in a gene in which most reported pathogenic variants are truncating/loss of function; Has not been previously published as pathogenic or benign to our knowledge